The following is an entry in ClinVar:

NM_000202.8(IDS):c.1220_1221del (p.Phe407fs)

Gene: IDS (iduronate 2-sulfatase; minus strand). Cytogenetic location: Xq28.
Variant type: Deletion.
Coding change: c.1220_1221del on transcript NM_000202.8 (MANE Select); coding-DNA positions 1220 to 1221, 2 bases deleted (TT; older notation c.1220_1221delTT).
Protein change: p.Phe407fs; shifts the reading frame from phenylalanine 407.
Molecular consequence: frameshift variant.
Genome position (GRCh38, 1-based): chrX:149,483,178-149,483,179, AA deleted on the plus strand (TT on the coding strand, the reverse complement: IDS is on the minus strand); deleting any 2 consecutive bases within chrX:149,483,178-149,483,182 gives the same sequence; the c. name uses the placement nearest the transcript's 3' end. VCF-style (leftmost placement, unchanged base first): chrX-149483177-GAA-G. GRCh37 (hg19) VCF-style: chrX-148564708-GAA-G.
Other names: c.950_951del, p.Phe317fs (NM_001166550.4); short protein forms F317fs, F407fs.
Identifiers: ClinVar variation 3255993 (VCV003255993.2).

ClinVar aggregate classification (germline): Pathogenic (1 of 4 stars; one submission).

Conditions:
Mucopolysaccharidosis, MPS-II (MPS2). Also called: Hunter Syndrome; IDURONATE 2-SULFATASE DEFICIENCY; Mucopolysaccharidosis Type II; Mucopolysaccharidosis type 2; Attenuated MPS (subtype; formerly known as mild MPS II); Severe MPS II. Identifiers: Orphanet 580, Orphanet 79388, MedGen C0026705, MONDO:0010674, OMIM 309900.

Submission:

Laboratory of Diagnosis and Therapy of Lysosomal Disorders, University of Padova
Classification: Pathogenic for Mucopolysaccharidosis, MPS-II. Last evaluated: 2024-06-07. Review status: criteria provided, single submitter. Criteria: ACMG Guidelines, 2015. Collection method: literature only. Allele origin: germline. Affected: yes. Observed: 3 variant alleles.
Comment: Null variant (PVS1_Strong), Absent from controls (or at low frequency) in gnomAD database (PM2_Moderate), Patient’s phenotype or family history highly specific for the disease (PP4_Strong)

Classification method: ACMG Guidelines [PMID:25741868] with modifications

Literature cited by the submitters: PubMed 9950361.